The following is an entry in ClinVar:

NM_001080414.4(CCDC88C):c.5116C>T (p.Pro1706Ser)

Gene: CCDC88C (coiled-coil and HOOK domain protein 88C; minus strand). Cytogenetic location: 14q32.11.
Variant type: single nucleotide variant.
Coding change: c.5116C>T on transcript NM_001080414.4 (MANE Select); coding-DNA position 5116, C replaced by T.
Protein change: p.Pro1706Ser; replaces proline 1706 with serine.
Molecular consequence: missense variant.
Genome position (GRCh38, 1-based): chr14:91,273,596, G>A on the plus strand (C>T on the coding strand, the complement: CCDC88C is on the minus strand). VCF-style: chr14-91273596-G-A. GRCh37 (hg19) VCF-style: chr14-91739940-G-A.
Other names: c.5116C>T (NM_001080414.3); short protein forms P1706S.
Identifiers: ClinVar variation 2064576 (VCV002064576.4), dbSNP rs200409556, ClinGen allele CA7308728.

ClinVar aggregate classification (germline): Uncertain significance. Review status: criteria provided, multiple submitters, no conflicts (2 of 4 stars). 3 submissions from 3 submitters: Uncertain significance (3). Last evaluated 2026-05-04.

Conditions:
Inborn genetic diseases. Identifiers: MedGen C0950123, MeSH D030342.

Allele frequency attached by ClinVar (database versions not stated): ExAC 0.00013; ESP Exome Variant Server 0.00024; gnomAD 0.00029; 1000 Genomes Project 30x 0.00062; TOPMed 0.00031; 1000 Genomes Project 0.00080.

Submissions (3):

Women's Health and Genetics/Laboratory Corporation of America, LabCorp
Classification: Uncertain significance. Last evaluated: 2026-05-04. Review status: criteria provided, single submitter. Criteria: LabCorp Variant Classification Summary - May 2015. Collection method: clinical testing. Allele origin: germline.
Comment: Variant summary: CCDC88C c.5116C>T (p.Pro1706Ser) results in a non-conservative amino acid change in the encoded protein sequence. Algorithms developed to predict the effect of missense changes on protein structure and function are either unavailable or do not agree on the potential impact of this missense change. The variant allele was found at a frequency of 0.00013 in 164172 control chromosomes. This frequency is not significantly higher than estimated for disease-causing variants in CCDC88C, allowing no conclusion about variant significance. To our knowledge, no occurrence of c.5116C>T in individuals affected with CCDC88C-related conditions and no experimental evidence demonstrating its impact on protein function have been reported. ClinVar contains an entry for this variant (Variation ID: 2064576). Based on the evidence outlined above, the variant was classified as uncertain significance.

Ambry Genetics
Classification: Uncertain significance for Inborn genetic diseases. Last evaluated: 2025-08-29. Review status: criteria provided, single submitter. Criteria: Ambry Variant Classification Scheme 2023. Collection method: clinical testing. Allele origin: germline.

Labcorp Genetics (formerly Invitae), Labcorp
Classification: Uncertain significance. Last evaluated: 2024-10-22. Review status: criteria provided, single submitter. Criteria: Invitae Variant Classification Sherloc (09022015). Collection method: clinical testing. Allele origin: germline.
Comment: This sequence change replaces proline, which is neutral and non-polar, with serine, which is neutral and polar, at codon 1706 of the CCDC88C protein (p.Pro1706Ser). This variant is present in population databases (rs200409556, gnomAD 0.1%). This variant has not been reported in the literature in individuals affected with CCDC88C-related conditions. ClinVar contains an entry for this variant (Variation ID: 2064576). An algorithm developed to predict the effect of missense changes on protein structure and function outputs the following: PolyPhen-2: "Benign". The serine amino acid residue is found in multiple mammalian species, which suggests that this missense change does not adversely affect protein function. In summary, the available evidence is currently insufficient to determine the role of this variant in disease. Therefore, it has been classified as a Variant of Uncertain Significance.